The following is an entry in ClinVar:

NM_032785.4(AGBL4):c.1327G>A (p.Val443Met)

Gene: AGBL4 (AGBL carboxypeptidase 4; minus strand). Cytogenetic location: 1p33.
Variant type: single nucleotide variant.
Coding change: c.1327G>A on transcript NM_032785.4 (MANE Select); coding-DNA position 1327, G replaced by A.
Protein change: p.Val443Met; replaces valine 443 with methionine.
Molecular consequence: missense variant. On other transcripts: non-coding transcript variant (1).
Genome position (GRCh38, 1-based): chr1:48,539,679, C>T on the plus strand (G>A on the coding strand, the complement: AGBL4 is on the minus strand). VCF-style: chr1-48539679-C-T. GRCh37 (hg19) VCF-style: chr1-49005351-C-T.
Other names: c.1363G>A, p.Val455Met (NM_001323573.2, NM_001323574.2); c.1327G>A, p.Val443Met (NM_001323575.2); short protein forms V443M, V455M.
Identifiers: ClinVar variation 3056820 (VCV003056820.2), dbSNP rs60977321, ClinGen allele CA844649.

ClinVar aggregate classification (germline): Benign (0 of 4 stars; one submission).

Conditions:
AGBL4-related disorder. Also called: AGBL4-related condition.

Allele frequency attached by ClinVar (database versions not stated): gnomAD exomes 0.00564; ExAC 0.02302; gnomAD 0.05976; ESP Exome Variant Server 0.06373; 1000 Genomes Project 0.06430; 1000 Genomes Project 30x 0.06605; TOPMed 0.06773.
gnomAD v4.1: 17,310 of 1,543,826 alleles (1.1%); highest among the groups gnomAD compares: African/African-American, 20%; 1,587 homozygotes.

Submission:

PreventionGenetics, part of Exact Sciences
Classification: Benign for AGBL4-related condition. Last evaluated: 2019-03-25. Review status: no assertion criteria provided. Collection method: clinical testing. Allele origin: germline.
Comment: This variant is classified as benign based on ACMG/AMP sequence variant interpretation guidelines (Richards et al. 2015 PMID: 25741868, with internal and published modifications).